The following is an entry in ClinVar:

ClinVar aggregate classification (germline): Uncertain significance (1 of 4 stars; one submission).

gnomAD v4.1: 3 of 1,611,662 alleles (0.00019%); highest among the groups gnomAD compares: Non-Finnish European, 0.00025%; no homozygotes.

Submission:

Labcorp Genetics (formerly Invitae), Labcorp
Classification: Uncertain significance. Last evaluated: 2024-08-19. Review status: criteria provided, single submitter. Criteria: Invitae Variant Classification Sherloc (09022015). Collection method: clinical testing. Allele origin: germline.
Comment: This sequence change replaces alanine, which is neutral and non-polar, with serine, which is neutral and polar, at codon 396 of the MKL1 protein (p.Ala396Ser). The frequency data for this variant in the population databases is considered unreliable, as metrics indicate poor data quality at this position in the gnomAD database. This variant has not been reported in the literature in individuals affected with MKL1-related conditions. An algorithm developed to predict the effect of missense changes on protein structure and function (PolyPhen-2) suggests that this variant is likely to be tolerated. In summary, the available evidence is currently insufficient to determine the role of this variant in disease. Therefore, it has been classified as a Variant of Uncertain Significance.

NM_020831.6(MRTFA):c.1486G>T (p.Ala496Ser)

Gene: MRTFA (myocardin related transcription factor A; minus strand). Cytogenetic location: 22q13.1.
Variant type: single nucleotide variant.
Coding change: c.1486G>T on transcript NM_020831.6 (MANE Select); coding-DNA position 1486, G replaced by T.
Protein change: p.Ala496Ser; replaces alanine 496 with serine.
Molecular consequence: missense variant.
Genome position (GRCh38, 1-based): chr22:40,419,252, C>A on the plus strand (G>T on the coding strand, the complement: MRTFA is on the minus strand). VCF-style: chr22-40419252-C-A. GRCh37 (hg19) VCF-style: chr22-40815256-C-A.
Other names: c.1186G>T, p.Ala396Ser (NM_001282660.2); c.1336G>T, p.Ala446Ser (NM_001282661.3); c.1486G>T, p.Ala496Ser (NM_001282662.3); c.1291G>T, p.Ala431Ser (NM_001318139.2); short protein forms A396S, A431S, A446S, A496S.
Identifiers: ClinVar variation 3610033 (VCV003610033.2).